The following is an entry in ClinVar:

ClinVar aggregate classification (germline): Uncertain significance. Review status: criteria provided, multiple submitters, no conflicts (2 of 4 stars). 3 submissions from 3 submitters: Uncertain significance (3). Last evaluated 2024-12-08.

Conditions:
Cardiovascular phenotype. Identifiers: MedGen CN230736.
Hypertrophic cardiomyopathy 14. Identifiers: MedGen C2750467, MONDO:0013197, OMIM 613251.

Allele frequency attached by ClinVar (database versions not stated): gnomAD exomes 0.00002 and 0.00004; ExAC 0.00003; gnomAD 0.00003; TOPMed 0.00003.
gnomAD v4.1: 68 of 1,613,688 alleles (0.0042%); highest among the groups gnomAD compares: Non-Finnish European, 0.0054%; no homozygotes.

Submissions (3):

Labcorp Genetics (formerly Invitae), Labcorp
Classification: Uncertain significance for Hypertrophic cardiomyopathy 14. Last evaluated: 2024-12-08. Review status: criteria provided, single submitter. Criteria: Invitae Variant Classification Sherloc (09022015). Collection method: clinical testing. Allele origin: germline.
Comment: This sequence change replaces alanine, which is neutral and non-polar, with threonine, which is neutral and polar, at codon 1381 of the MYH6 protein (p.Ala1381Thr). This variant is present in population databases (rs753774406, gnomAD 0.006%). This variant has not been reported in the literature in individuals affected with MYH6-related conditions. ClinVar contains an entry for this variant (Variation ID: 664946). Invitae Evidence Modeling of protein sequence and biophysical properties (such as structural, functional, and spatial information, amino acid conservation, physicochemical variation, residue mobility, and thermodynamic stability) indicates that this missense variant is expected to disrupt MYH6 protein function with a positive predictive value of 80%. In summary, the available evidence is currently insufficient to determine the role of this variant in disease. Therefore, it has been classified as a Variant of Uncertain Significance.

Ambry Genetics
Classification: Uncertain significance for Cardiovascular phenotype. Last evaluated: 2023-01-26. Review status: criteria provided, single submitter. Criteria: Ambry Variant Classification Scheme 2023. Collection method: clinical testing. Allele origin: germline.
Comment: The p.A1381T variant (also known as c.4141G>A), located in coding exon 27 of the MYH6 gene, results from a G to A substitution at nucleotide position 4141. The alanine at codon 1381 is replaced by threonine, an amino acid with similar properties. This amino acid position is highly conserved in available vertebrate species. In addition, the in silico prediction for this alteration is inconclusive. Since supporting evidence is limited at this time, the clinical significance of this alteration remains unclear.

GeneDx
Classification: Uncertain significance. Last evaluated: 2021-09-23. Review status: criteria provided, single submitter. Criteria: GeneDx Variant Classification Process June 2021. Collection method: clinical testing. Allele origin: germline. Affected: yes.
Comment: Has not been previously published as pathogenic or benign to our knowledge; In silico analysis supports that this missense variant has a deleterious effect on protein structure/function; Reported in ClinVar but additional evidence is not available (ClinVar Variant ID# 664946; Landrum et al., 2016); This variant is associated with the following publications: (PMID: 26582918)

NM_002471.4(MYH6):c.4141G>A (p.Ala1381Thr)

Gene: MYH6 (myosin heavy chain 6; minus strand). Cytogenetic location: 14q11.2.
Variant type: single nucleotide variant.
Coding change: c.4141G>A on transcript NM_002471.4 (MANE Select); coding-DNA position 4141, G replaced by A.
Protein change: p.Ala1381Thr; replaces alanine 1381 with threonine.
Molecular consequence: missense variant.
Genome position (GRCh38, 1-based): chr14:23,388,893, C>T on the plus strand (G>A on the coding strand, the complement: MYH6 is on the minus strand). VCF-style: chr14-23388893-C-T. GRCh37 (hg19) VCF-style: chr14-23858102-C-T.
Other names: short protein forms A1381T.
Identifiers: ClinVar variation 664946 (VCV000664946.12), dbSNP rs753774406, ClinGen allele CA7114917.